The following is an entry in ClinVar:

ClinVar aggregate classification (germline): Uncertain significance. Review status: criteria provided, multiple submitters, no conflicts (2 of 4 stars). 2 submissions from 2 submitters: Uncertain significance (2). Last evaluated 2025-09-16.

Conditions:
Marfan syndrome (MFS). Also called: MARFAN SYNDROME, TYPE I; Marfan syndrome type 1; Marfan's syndrome; FBN1-Related Marfan Syndrome; Marfan syndrome, classic. Identifiers: Orphanet 284963, Orphanet 558, MedGen C0024796, MONDO:0007947, OMIM 154700.
Familial thoracic aortic aneurysm and aortic dissection (TAAD). Also called: Thoracic aortic aneurysms and dissections. Identifiers: Orphanet 91387, MedGen C4707243, MONDO:0019625.

Submissions (2):

Labcorp Genetics (formerly Invitae), Labcorp
Classification: Uncertain significance for Marfan syndrome; Familial thoracic aortic aneurysm and aortic dissection. Last evaluated: 2025-09-16. Review status: criteria provided, single submitter. Criteria: Invitae Variant Classification Sherloc (09022015). Collection method: clinical testing. Allele origin: germline.
Comment: This sequence change replaces asparagine, which is neutral and polar, with aspartic acid, which is acidic and polar, at codon 1369 of the FBN1 protein (p.Asn1369Asp). This variant is not present in population databases (gnomAD no frequency). This variant has not been reported in the literature in individuals affected with FBN1-related conditions. ClinVar contains an entry for this variant (Variation ID: 3386806). Invitae Evidence Modeling of protein sequence and biophysical properties (such as structural, functional, and spatial information, amino acid conservation, physicochemical variation, residue mobility, and thermodynamic stability) has been performed for this missense variant. However, the output from this modeling did not meet the statistical confidence thresholds required to predict the impact of this variant on FBN1 protein function. In summary, the available evidence is currently insufficient to determine the role of this variant in disease. Therefore, it has been classified as a Variant of Uncertain Significance.

All of Us Research Program, National Institutes of Health
Classification: Uncertain significance for Marfan syndrome. Last evaluated: 2024-08-06. Review status: criteria provided, single submitter. Criteria: ACMG Guidelines, 2015. Collection method: clinical testing. Allele origin: germline. Inheritance: Autosomal dominant inheritance. Observed: 1 variant allele, 1 heterozygote.
Comment: This study involves interpretation of variants in research participants for the purpose of population health screening. Participant phenotype was not available at the time of variant classification. Additional details can be found in publication PMID: 35346344, PMCID: PMC8962531

NM_000138.5(FBN1):c.4105A>G (p.Asn1369Asp)

Gene: FBN1 (fibrillin 1; minus strand). Cytogenetic location: 15q21.1.
Variant type: single nucleotide variant.
Coding change: c.4105A>G on transcript NM_000138.5 (MANE Select); coding-DNA position 4105, A replaced by G.
Protein change: p.Asn1369Asp; replaces asparagine 1369 with aspartic acid.
Molecular consequence: missense variant.
Genome position (GRCh38, 1-based): chr15:48,474,360, T>C on the plus strand (A>G on the coding strand, the complement: FBN1 is on the minus strand). VCF-style: chr15-48474360-T-C. GRCh37 (hg19) VCF-style: chr15-48766557-T-C.
Other names: c.4105A>G, p.Asn1369Asp (NM_001406716.1); short protein forms N1369D.
Identifiers: ClinVar variation 3386806 (VCV003386806.2).